The following is an entry in ClinVar:

ClinVar aggregate classification (germline): Benign/Likely benign. Review status: criteria provided, multiple submitters, no conflicts (2 of 4 stars). 3 submissions from 3 submitters: Benign (1); Likely benign (1). 1 of the submissions does not count toward it. Last evaluated 2026-01-28.

Conditions:
CCN6-related disorder. Also called: CCN6-related condition.

Allele frequency attached by ClinVar (database versions not stated): ESP Exome Variant Server 0.00008; 1000 Genomes Project 0.00080; gnomAD exomes 0.00083; gnomAD 0.00097 and 0.00099; 1000 Genomes Project 30x 0.00109; TOPMed 0.00110.
gnomAD v4.1: 438 of 1,606,614 alleles (0.027%); highest among the groups gnomAD compares: Admixed American, 0.63%; 3 homozygotes.

Submissions (3):

Labcorp Genetics (formerly Invitae), Labcorp
Classification: Benign. Last evaluated: 2026-01-28. Review status: criteria provided, single submitter. Criteria: Invitae Variant Classification Sherloc (09022015). Collection method: clinical testing. Allele origin: germline.

Blueprint Genetics
Classification: Likely benign. Last evaluated: 2023-12-22. Review status: criteria provided, single submitter. Criteria: ACMG Guidelines, 2015. Collection method: clinical testing. Allele origin: germline.

PreventionGenetics, part of Exact Sciences
Classification: Likely benign for CCN6-related condition. Last evaluated: 2019-07-15. Review status: no assertion criteria provided. Collection method: clinical testing. Allele origin: germline. Not counted in ClinVar's aggregate classification.
Comment: This variant is classified as likely benign based on ACMG/AMP sequence variant interpretation guidelines (Richards et al. 2015 PMID: 25741868, with internal and published modifications).

NM_198239.2(CCN6):c.590-7G>C

Gene: CCN6 (cellular communication network factor 6; plus strand). Cytogenetic location: 6q21.
Variant type: single nucleotide variant.
Coding change: c.590-7G>C on transcript NM_198239.2 (MANE Select); 7 bases into the intron before coding-DNA position 590, G replaced by C.
Molecular consequence: intron variant.
Genome position (GRCh38, 1-based): chr6:112,068,198, G>C. VCF-style: chr6-112068198-G-C. GRCh37 (hg19) VCF-style: chr6-112389401-G-C.
Other names: c.590-7G>C (NM_003880.4).
Identifiers: ClinVar variation 740422 (VCV000740422.14), dbSNP rs190090197, ClinGen allele CA3964061.